The following is an entry in ClinVar:

ClinVar aggregate classification (germline): Pathogenic (1 of 4 stars; one submission).

Conditions:
Hereditary nonpolyposis colorectal neoplasms. Identifiers: MedGen C0009405, MeSH D003123.

Submission:

Labcorp Genetics (formerly Invitae), Labcorp
Classification: Pathogenic for Hereditary nonpolyposis colorectal neoplasms. Last evaluated: 2018-11-29. Review status: criteria provided, single submitter. Criteria: Invitae Variant Classification Sherloc (09022015). Collection method: clinical testing. Allele origin: germline.
Comment: For these reasons, this variant has been classified as Pathogenic. Loss-of-function variants in PMS2 are known to be pathogenic (PMID: 21376568, 24362816). This variant has not been reported in the literature in individuals with PMS2-related conditions. This variant is not present in population databases (ExAC no frequency). This sequence change creates a premature translational stop signal (p.Cys216*) in the PMS2 gene. It is expected to result in an absent or disrupted protein product.

Literature cited by the submitters: PubMed 21376568; PubMed 24362816.

NM_000535.7(PMS2):c.648C>A (p.Cys216Ter)

Gene: PMS2 (PMS1 homolog 2, mismatch repair system component; minus strand). Cytogenetic location: 7p22.1.
Variant type: single nucleotide variant.
Coding change: c.648C>A on transcript NM_000535.7 (MANE Select); coding-DNA position 648, C replaced by A.
Protein change: p.Cys216Ter; replaces cysteine 216 with a stop codon.
Molecular consequence: nonsense. On other transcripts: 5 prime UTR variant (2), non-coding transcript variant (1), intron variant (1).
Genome position (GRCh38, 1-based): chr7:5,999,165, G>T on the plus strand (C>A on the coding strand, the complement: PMS2 is on the minus strand). VCF-style: chr7-5999165-G-T. GRCh37 (hg19) VCF-style: chr7-6038796-G-T.
Other names: c.243C>A, p.Cys81Ter (NM_001322003.2, NM_001322004.2, NM_001322005.2 and 2 more transcripts); c.648C>A, p.Cys216Ter (NM_001322006.2, NM_001322014.2); c.330C>A, p.Cys110Ter (NM_001322007.2, NM_001322008.2); c.-286C>A (NM_001322011.2, NM_001322012.2); c.339C>A, p.Cys113Ter (NM_001322015.2); c.133-1742C>A (NM_001322013.2); short protein forms C110*, C113*, C216*, C81*.
Identifiers: ClinVar variation 658711 (VCV000658711.6), dbSNP rs762387250, ClinGen allele CA366743919.